The following is an entry in ClinVar:

NM_005585.5(SMAD6):c.475C>G (p.Arg159Gly)

Gene: SMAD6 (SMAD family member 6; plus strand). Cytogenetic location: 15q22.31.
Variant type: single nucleotide variant.
Coding change: c.475C>G on transcript NM_005585.5 (MANE Select); coding-DNA position 475, C replaced by G.
Protein change: p.Arg159Gly; replaces arginine 159 with glycine.
Molecular consequence: missense variant. On other transcripts: non-coding transcript variant (1).
Genome position (GRCh38, 1-based): chr15:66,703,733, C>G. VCF-style: chr15-66703733-C-G. GRCh37 (hg19) VCF-style: chr15-66996071-C-G.
Other names: short protein forms R159G.
Identifiers: ClinVar variation 3005066 (VCV003005066.3), dbSNP rs2545311908, ClinGen allele CA392949626.

ClinVar aggregate classification (germline): Uncertain significance (1 of 4 stars; one submission).

Conditions:
Aortic valve disease 2 (AOVD2). Identifiers: MedGen C3542024, MONDO:0013902, OMIM 614823.

Submission:

Labcorp Genetics (formerly Invitae), Labcorp
Classification: Uncertain significance for Aortic valve disease 2. Last evaluated: 2023-02-22. Review status: criteria provided, single submitter. Criteria: Invitae Variant Classification Sherloc (09022015). Collection method: clinical testing. Allele origin: germline.
Comment: In summary, the available evidence is currently insufficient to determine the role of this variant in disease. Therefore, it has been classified as a Variant of Uncertain Significance. Advanced modeling of protein sequence and biophysical properties (such as structural, functional, and spatial information, amino acid conservation, physicochemical variation, residue mobility, and thermodynamic stability) performed at Invitae indicates that this missense variant is not expected to disrupt SMAD6 protein function. This variant has not been reported in the literature in individuals affected with SMAD6-related conditions. This variant is not present in population databases (gnomAD no frequency). This sequence change replaces arginine, which is basic and polar, with glycine, which is neutral and non-polar, at codon 159 of the SMAD6 protein (p.Arg159Gly).